The following is an entry in ClinVar:

NM_006035.4(CDC42BPB):c.2491G>A (p.Ala831Thr)

Gene: CDC42BPB (CDC42 binding protein kinase beta; minus strand). Cytogenetic location: 14q32.32.
Variant type: single nucleotide variant.
Coding change: c.2491G>A on transcript NM_006035.4 (MANE Select); coding-DNA position 2491, G replaced by A.
Protein change: p.Ala831Thr; replaces alanine 831 with threonine.
Molecular consequence: missense variant.
Genome position (GRCh38, 1-based): chr14:102,966,368, C>T on the plus strand (G>A on the coding strand, the complement: CDC42BPB is on the minus strand). VCF-style: chr14-102966368-C-T. GRCh37 (hg19) VCF-style: chr14-103432705-C-T.
Other names: c.2491G>A, p.Ala831Thr (NM_001411054.1); short protein forms A831T.
Identifiers: ClinVar variation 2444822 (VCV002444822.1), dbSNP rs1595474588, ClinGen allele CA391084178.
Genomic context (GRCh38, chr14:102,966,368, plus strand): 5'-TCCTCAAAGCCTCGAGCTCTTCGGTCATCTTGGAAGCAAGAGCTTGAAGGTAACCCCGGG[C>T]ATCTTTCTCGTCACTGACCCTGGAGGAGGGAACAGATGTTCTATCTCACGAAGCATGGCT-3'
Protein context (NP_006026.3, residues 821-841): IIQWVSDEKD[Ala831Thr]RGYLQALASK

ClinVar aggregate classification (germline): Uncertain significance (1 of 4 stars; one submission).

gnomAD v4.1: 1 of 1,613,882 alleles (0.000062%); highest among the groups gnomAD compares: Non-Finnish European, 0.000085%; no homozygotes.

Submission:

GeneDx
Classification: Uncertain significance. Last evaluated: 2022-09-19. Review status: criteria provided, single submitter. Criteria: GeneDx Variant Classification Process June 2021. Collection method: clinical testing. Allele origin: germline. Affected: yes.
Comment: Not observed at significant frequency in large population cohorts (gnomAD); In silico analysis supports that this missense variant has a deleterious effect on protein structure/function; Has not been previously published as pathogenic or benign to our knowledge